The following is an entry in ClinVar:

NM_020989.4(CRYGC):c.248C>T (p.Pro83Leu)

Genes: CRYGC (crystallin gamma C; minus strand), LOC100507443 (uncharacterized LOC100507443; plus strand). Cytogenetic location: 2q33.3.
Variant type: single nucleotide variant.
Coding change: c.248C>T on transcript NM_020989.4 (MANE Select); coding-DNA position 248, C replaced by T.
Protein change: p.Pro83Leu; replaces proline 83 with leucine.
Molecular consequence: missense variant.
Genome position (GRCh38, 1-based): chr2:208,129,445, G>A on the plus strand (C>T on the coding strand, the complement: CRYGC is on the minus strand). VCF-style: chr2-208129445-G-A. GRCh37 (hg19) VCF-style: chr2-208994169-G-A.
Other names: short protein forms P83L.
Identifiers: ClinVar variation 3077903 (VCV003077903.2), dbSNP rs751761618, ClinGen allele CA2077910.

ClinVar aggregate classification (germline): Uncertain significance. Review status: criteria provided, single submitter (1 of 4 stars). 2 submissions from 2 submitters: Uncertain significance (1). 1 of the submissions does not count toward it. Last evaluated 2024-01-08.

Conditions:
CRYGC-related disorder. Also called: CRYGC-related condition.
Inborn genetic diseases. Identifiers: MedGen C0950123, MeSH D030342.

Allele frequency attached by ClinVar (database versions not stated): gnomAD 0.00001; gnomAD exomes 0.00001; TOPMed 0.00001; ExAC 0.00003.

Submissions (2):

Ambry Genetics
Classification: Uncertain significance for Inborn genetic diseases. Last evaluated: 2024-01-08. Review status: criteria provided, single submitter. Criteria: Ambry Variant Classification Scheme 2023. Collection method: clinical testing. Allele origin: germline.

PreventionGenetics, part of Exact Sciences
Classification: Uncertain significance for CRYGC-related condition. Last evaluated: 2024-04-16. Review status: no assertion criteria provided. Collection method: clinical testing. Allele origin: germline. Not counted in ClinVar's aggregate classification.
Comment: The CRYGC c.248C>T variant is predicted to result in the amino acid substitution p.Pro83Leu. To our knowledge, this variant has not been reported in the literature. This variant is reported in 0.023% of alleles in individuals of Latino descent in gnomAD. At this time, the clinical significance of this variant is uncertain due to the absence of conclusive functional and genetic evidence.